The following is an entry in ClinVar:

NM_022356.4(P3H1):c.1529A>C (p.Asn510Thr)

Gene: P3H1 (prolyl 3-hydroxylase 1; minus strand). Cytogenetic location: 1p34.2.
Variant type: single nucleotide variant.
Coding change: c.1529A>C on transcript NM_022356.4 (MANE Select); coding-DNA position 1529, A replaced by C.
Protein change: p.Asn510Thr; replaces asparagine 510 with threonine.
Molecular consequence: missense variant.
Genome position (GRCh38, 1-based): chr1:42,752,314, T>G on the plus strand (A>C on the coding strand, the complement: P3H1 is on the minus strand). VCF-style: chr1-42752314-T-G. GRCh37 (hg19) VCF-style: chr1-43217985-T-G.
Other names: c.1529A>C, p.Asn510Thr (NM_001146289.2, NM_001243246.2); short protein forms N510T.
Identifiers: ClinVar variation 1306461 (VCV001306461.9), dbSNP rs149894086, ClinGen allele CA339955571.

ClinVar aggregate classification (germline): Uncertain significance. Review status: criteria provided, multiple submitters, no conflicts (2 of 4 stars). 3 submissions from 3 submitters: Uncertain significance (3). Last evaluated 2025-12-09.

Conditions:
Osteogenesis imperfecta type 8 (OI8). Identifiers: MedGen C1970458, MONDO:0012581, OMIM 610915.

gnomAD v4.1: 1 of 1,613,990 alleles (0.000062%); highest among the groups gnomAD compares: African/African-American, 0.0013%; no homozygotes.

Submissions (3):

GeneDx
Classification: Uncertain significance. Last evaluated: 2025-12-09. Review status: criteria provided, single submitter. Criteria: GeneDx Variant Classification Process June 2021. Collection method: clinical testing. Allele origin: germline. Affected: yes.
Comment: Not observed at significant frequency in large population cohorts (gnomAD); In silico analysis supports that this missense variant has a deleterious effect on protein structure/function; Has not been previously published as pathogenic or benign to our knowledge

Labcorp Genetics (formerly Invitae), Labcorp
Classification: Uncertain significance for Osteogenesis imperfecta type 8. Last evaluated: 2024-04-03. Review status: criteria provided, single submitter. Criteria: Invitae Variant Classification Sherloc (09022015). Collection method: clinical testing. Allele origin: germline.
Comment: This sequence change replaces asparagine, which is neutral and polar, with threonine, which is neutral and polar, at codon 510 of the P3H1 protein (p.Asn510Thr). This variant is not present in population databases (gnomAD no frequency). This variant has not been reported in the literature in individuals affected with P3H1-related conditions. ClinVar contains an entry for this variant (Variation ID: 1306461). Advanced modeling of protein sequence and biophysical properties (such as structural, functional, and spatial information, amino acid conservation, physicochemical variation, residue mobility, and thermodynamic stability) performed at Invitae indicates that this missense variant is expected to disrupt P3H1 protein function with a positive predictive value of 80%. In summary, the available evidence is currently insufficient to determine the role of this variant in disease. Therefore, it has been classified as a Variant of Uncertain Significance.

Genome-Nilou Lab
Classification: Uncertain significance for Osteogenesis imperfecta type 8. Last evaluated: 2023-04-11. Review status: criteria provided, single submitter. Criteria: ACMG Guidelines, 2015. Collection method: clinical testing. Allele origin: germline. Affected: no.